The following is an entry in ClinVar:

NM_001205293.3(CACNA1E):c.1123C>A (p.Gln375Lys)

Gene: CACNA1E (calcium voltage-gated channel subunit alpha1 E; plus strand). Cytogenetic location: 1q25.3.
Variant type: single nucleotide variant.
Coding change: c.1123C>A on transcript NM_001205293.3 (MANE Select); coding-DNA position 1123, C replaced by A.
Protein change: p.Gln375Lys; replaces glutamine 375 with lysine.
Molecular consequence: missense variant.
Genome position (GRCh38, 1-based): chr1:181,711,021, C>A. VCF-style: chr1-181711021-C-A. GRCh37 (hg19) VCF-style: chr1-181680157-C-A.
Other names: c.1123C>A, p.Gln375Lys (NM_000721.4, NM_001205294.2); short protein forms Q375K.
Identifiers: ClinVar variation 4975169 (VCV004975169.1).

ClinVar aggregate classification (germline): Uncertain significance (1 of 4 stars; one submission).

Submission:

GeneDx
Classification: Uncertain significance. Last evaluated: 2026-02-04. Review status: criteria provided, single submitter. Criteria: GeneDx Variant Classification Process June 2021. Collection method: clinical testing. Allele origin: germline.
Comment: Not observed at significant frequency in large population cohorts (gnomAD); In silico analysis supports that this missense variant has a deleterious effect on protein structure/function; Has not been previously published as pathogenic or benign to our knowledge